The following is an entry in ClinVar:

NM_005994.4(TBX2):c.1686+5G>A

Gene: TBX2 (T-box transcription factor 2; plus strand). Cytogenetic location: 17q23.2.
Variant type: single nucleotide variant.
Coding change: c.1686+5G>A on transcript NM_005994.4 (MANE Select); 5 bases into the intron after coding-DNA position 1686, G replaced by A.
Molecular consequence: intron variant.
Genome position (GRCh38, 1-based): chr17:61,405,841, G>A. VCF-style: chr17-61405841-G-A. GRCh37 (hg19) VCF-style: chr17-59483202-G-A.
Other names: NC_000017.10:g.59483202G>A.
Identifiers: ClinVar variation 716229 (VCV000716229.6), dbSNP rs368647415, ClinGen allele CA8689398.

ClinVar aggregate classification (germline): Likely benign. Review status: criteria provided, single submitter (1 of 4 stars). 2 submissions from 2 submitters: Likely benign (1). 1 of the submissions does not count toward it. Last evaluated 2018-08-07.

Conditions:
TBX2-related disorder. Also called: TBX2-related condition.

Allele frequency attached by ClinVar (database versions not stated): gnomAD 0.00230 and 0.00249; 1000 Genomes Project 0.00300; gnomAD exomes 0.00077 and 0.00023; TOPMed 0.00250; ExAC 0.00267; 1000 Genomes Project 30x 0.00297; ESP Exome Variant Server 0.00165.
gnomAD v4.1: 628 of 1,303,194 alleles (0.048%); highest among the groups gnomAD compares: African/African-American, 0.88%; 2 homozygotes.

Submissions (4):

Labcorp Genetics (formerly Invitae), Labcorp
Classification: Likely benign. Last evaluated: 2018-08-07. Review status: criteria provided, single submitter. Criteria: Invitae Variant Classification Sherloc (09022015). Collection method: clinical testing. Allele origin: germline.

PreventionGenetics, part of Exact Sciences
Classification: Benign for TBX2-related condition. Last evaluated: 2019-05-22. Review status: no assertion criteria provided. Collection method: clinical testing. Allele origin: germline. Not counted in ClinVar's aggregate classification.
Comment: This variant is classified as benign based on ACMG/AMP sequence variant interpretation guidelines (Richards et al. 2015 PMID: 25741868, with internal and published modifications).

Dr. Peter K. Rogan Lab, Western University
No classification provided (evidence only). Condition: Lung cancer. Review status: no classification provided. Collection method: in vitro. Allele origin: not applicable. Functional consequence: skipped exon. Not counted in ClinVar's aggregate classification.

Dr. Peter K. Rogan Lab, Western University
No classification provided (evidence only). Condition: Ovarian serous cystadenocarcinoma. Review status: no classification provided. Collection method: in vitro. Allele origin: not applicable. Functional consequence: retained intron. Not counted in ClinVar's aggregate classification.